The following is an entry in ClinVar:

NM_000264.5(PTCH1):c.2126G>A (p.Arg709Lys)

Genes: PTCH1 (patched 1; minus strand), LOC100507346 (uncharacterized LOC100507346; plus strand). Cytogenetic location: 9q22.32.
Variant type: single nucleotide variant.
Coding change: c.2126G>A on transcript NM_000264.5 (MANE Select); coding-DNA position 2126, G replaced by A.
Protein change: p.Arg709Lys; replaces arginine 709 with lysine.
Molecular consequence: missense variant. On other transcripts: non-coding transcript variant (2).
Genome position (GRCh38, 1-based): chr9:95,468,875, C>T on the plus strand (G>A on the coding strand, the complement: PTCH1 is on the minus strand). VCF-style: chr9-95468875-C-T. GRCh37 (hg19) VCF-style: chr9-98231157-C-T.
Other names: c.2126G>A (NM_000264.3); c.1928G>A, p.Arg643Lys (NM_001083602.3); c.2123G>A, p.Arg708Lys (NM_001083603.3); c.1673G>A, p.Arg558Lys (NM_001083604.3, NM_001083605.3, NM_001083606.3 and 1 more transcripts); c.1970G>A, p.Arg657Lys (NM_001354918.2); short protein forms R558K, R643K, R657K, R708K, R709K.
Identifiers: ClinVar variation 1009340 (VCV001009340.10), dbSNP rs1840287540, ClinGen allele CA374115601.
Genomic context (GRCh38, chr9:95,468,875, plus strand): 5'-TTCGTACAGGGGGGCTCGAGGCAGTGGAGGCTGGAGTCGGAGAACTGGGAGAGCAGGTCC[C>T]TTGTGGAGCTGGTGCTCTCTGGGCTCTGGCAGCTGAGGGTGTCCTGTGTCACGGTGACGG-3'
Protein context (NP_000255.2, residues 699-719): CQSPESTSST[Arg709Lys]DLLSQFSDSS

ClinVar aggregate classification (germline): Uncertain significance. Review status: criteria provided, multiple submitters, no conflicts (2 of 4 stars). 2 submissions from 2 submitters: Uncertain significance (2). Last evaluated 2025-08-19.

Conditions:
Hereditary cancer-predisposing syndrome. Also called: Tumor predisposition; Hereditary Cancer Syndrome; Neoplastic Syndromes, Hereditary; Hereditary neoplastic syndrome. Identifiers: Orphanet 140162, MedGen C0027672, MeSH D009386, MONDO:0015356.
Gorlin syndrome. Also called: Nevoid Basal Cell Carcinoma Syndrome; Basal cell nevus syndrome. Identifiers: Orphanet 377, MedGen C0004779, MONDO:0007187.

Allele frequency attached by ClinVar (database versions not stated): gnomAD exomes below 0.00001.
gnomAD v4.1: 2 of 1,614,098 alleles (0.00012%); highest among the groups gnomAD compares: Non-Finnish European, 0.00017%; no homozygotes.

Submissions (2):

Ambry Genetics
Classification: Uncertain significance for Hereditary cancer-predisposing syndrome. Last evaluated: 2025-08-19. Review status: criteria provided, single submitter. Criteria: Ambry Variant Classification Scheme 2023. Collection method: clinical testing. Allele origin: germline.
Comment: The p.R709K variant (also known as c.2126G>A), located in coding exon 14 of the PTCH1 gene, results from a G to A substitution at nucleotide position 2126. The arginine at codon 709 is replaced by lysine, an amino acid with highly similar properties. This amino acid position is conserved. In addition, the in silico prediction for this alteration is inconclusive. Based on the available evidence, the clinical significance of this variant remains unclear.

Labcorp Genetics (formerly Invitae), Labcorp
Classification: Uncertain significance for Gorlin syndrome. Last evaluated: 2022-11-16. Review status: criteria provided, single submitter. Criteria: Invitae Variant Classification Sherloc (09022015). Collection method: clinical testing. Allele origin: germline.
Comment: In summary, the available evidence is currently insufficient to determine the role of this variant in disease. Therefore, it has been classified as a Variant of Uncertain Significance. Advanced modeling of protein sequence and biophysical properties (such as structural, functional, and spatial information, amino acid conservation, physicochemical variation, residue mobility, and thermodynamic stability) performed at Invitae indicates that this missense variant is not expected to disrupt PTCH1 protein function. ClinVar contains an entry for this variant (Variation ID: 1009340). This variant has not been reported in the literature in individuals affected with PTCH1-related conditions. This variant is not present in population databases (gnomAD no frequency). This sequence change replaces arginine, which is basic and polar, with lysine, which is basic and polar, at codon 709 of the PTCH1 protein (p.Arg709Lys).